The following is an entry in ClinVar:

NM_024642.5(GALNT12):c.334T>A (p.Ser112Thr)

Gene: GALNT12 (polypeptide N-acetylgalactosaminyltransferase 12; plus strand). Cytogenetic location: 9q22.33.
Variant type: single nucleotide variant.
Coding change: c.334T>A on transcript NM_024642.5 (MANE Select); coding-DNA position 334, T replaced by A.
Protein change: p.Ser112Thr; replaces serine 112 with threonine.
Molecular consequence: missense variant.
Genome position (GRCh38, 1-based): chr9:98,808,032, T>A. VCF-style: chr9-98808032-T-A. GRCh37 (hg19) VCF-style: chr9-101570314-T-A.
Other names: short protein forms S112T.
Identifiers: ClinVar variation 4871650 (VCV004871650.1).

ClinVar aggregate classification (germline): Uncertain significance (1 of 4 stars; one submission).

Submission:

Ambry Genetics
Classification: Uncertain significance. Last evaluated: 2026-05-23. Review status: criteria provided, single submitter. Criteria: Ambry Variant Classification Scheme 2023. Collection method: clinical testing. Allele origin: germline.
Comment: The p.S112T variant (also known as c.334T>A), located in coding exon 1 of the GALNT12 gene, results from a T to A substitution at nucleotide position 334. The serine at codon 112 is replaced by threonine, an amino acid with similar properties. This amino acid position is conserved. In addition, the in silico prediction for this alteration is inconclusive. Based on the available evidence, the clinical significance of this variant remains unclear.